The following is an entry in ClinVar:

NM_001005271.3(CHD3):c.222GCC[5] (p.Pro81_Pro82del)

Genes: CHD3 (chromodomain helicase DNA binding protein 3; plus strand), NAA38 (N-alpha-acetyltransferase 38, NatC auxiliary subunit; minus strand). Cytogenetic location: 17p13.1.
Variant type: Microsatellite.
Coding change: c.222GCC[5] on transcript NM_001005271.3; five copies in a row of the 3-base unit GCC starting at c.222; the reference has seven copies in a row; two copies, 6 bases deleted.
Protein change: p.Pro81_Pro82del.
Molecular consequence: inframe deletion. On other transcripts: intron variant (1).
Genome position (GRCh38, 1-based): chr17:7,885,043-7,885,048, GCCGCC deleted; deleting any 6 consecutive bases within chr17:7,885,026-7,885,048 gives the same sequence; the position shown is the placement nearest the transcript's 3' end. VCF-style (leftmost placement, unchanged base first): chr17-7885025-CCCGCCG-C. GRCh37 (hg19) VCF-style: chr17-7788343-CCCGCCG-C.
Other names: c.222GCC[5], p.Pro81_Pro82del (NM_001437504.1, NM_001437507.1, NM_001437508.1 and 1 more transcripts); c.-167+119CGG[5] (NM_001330111.2).
Identifiers: ClinVar variation 5038740 (VCV005038740.1).
Genomic context (GRCh38, chr17:7,885,025, plus strand): 5'-GCGCGGGCCGGGCCACGACCGGGGCCGCGACCGCCACAGCCCCCCCGGCTGCCACCTCTT[CCCGCCG>C]CCGCCGCCGCCGCCGCCACCGCTGCCCCCGCCGCCGCCGCCCCCGCCGCCAGGTAAGCGC-3'

ClinVar aggregate classification (germline): Likely benign (1 of 4 stars; one submission).

Submission:

CeGaT Center for Human Genetics Tuebingen
Classification: Likely benign. Last evaluated: 2026-07-01. Review status: criteria provided, single submitter. Criteria: CeGaT Center For Human Genetics Tuebingen Variant Classification Criteria Version 2. Collection method: clinical testing. Allele origin: germline. Affected: yes. Observed: 1 variant allele.
Comment: CHD3: BS1